The following is an entry in ClinVar:

NM_003998.4(NFKB1):c.1388T>C (p.Ile463Thr)

Gene: NFKB1 (nuclear factor kappa B subunit 1; plus strand). Cytogenetic location: 4q24.
Variant type: single nucleotide variant.
Coding change: c.1388T>C on transcript NM_003998.4 (MANE Select); coding-DNA position 1388, T replaced by C.
Protein change: p.Ile463Thr; replaces isoleucine 463 with threonine.
Molecular consequence: missense variant.
Genome position (GRCh38, 1-based): chr4:102,596,225, T>C. VCF-style: chr4-102596225-T-C. GRCh37 (hg19) VCF-style: chr4-103517382-T-C.
Other names: c.1388T>C (NM_003998.3); c.1385T>C, p.Ile462Thr (NM_001165412.2, NM_001319226.2, NM_001382627.1); c.1388T>C, p.Ile463Thr (NM_001382625.1, NM_001382626.1); c.1346T>C, p.Ile449Thr (NM_001382628.1); short protein forms I449T, I462T, I463T.
Identifiers: ClinVar variation 1159128 (VCV001159128.33), dbSNP rs144132174, ClinGen allele CA3026143.

ClinVar aggregate classification (germline): Likely benign. Review status: criteria provided, multiple submitters, no conflicts (2 of 4 stars). 4 submissions from 4 submitters: Likely benign (3). 1 of the submissions does not count toward it. Last evaluated 2025-12-21.

Conditions:
NFKB1-related disorder. Also called: NFKB1-related condition.

Allele frequency attached by ClinVar (database versions not stated): gnomAD exomes 0.00006 and 0.00023; ExAC 0.00026; gnomAD 0.00056 and 0.00058; TOPMed 0.00069; ESP Exome Variant Server 0.00108; 1000 Genomes Project 0.00160; 1000 Genomes Project 30x 0.00187.
gnomAD v4.1: 189 of 1,613,526 alleles (0.012%); highest among the groups gnomAD compares: African/African-American, 0.19%; no homozygotes.

Submissions (4):

Labcorp Genetics (formerly Invitae), Labcorp
Classification: Likely benign. Last evaluated: 2025-12-21. Review status: criteria provided, single submitter. Criteria: Invitae Variant Classification Sherloc (09022015). Collection method: clinical testing. Allele origin: germline.

Blueprint Genetics
Classification: Likely benign. Last evaluated: 2024-08-16. Review status: criteria provided, single submitter. Criteria: ACMG Guidelines, 2015. Collection method: clinical testing. Allele origin: germline.

CeGaT Center for Human Genetics Tuebingen
Classification: Likely benign. Last evaluated: 2023-10-01. Review status: criteria provided, single submitter. Criteria: CeGaT Center For Human Genetics Tuebingen Variant Classification Criteria Version 2. Collection method: clinical testing. Allele origin: germline. Affected: yes. Observed: 1 variant allele.
Comment: NFKB1: BP4

PreventionGenetics, part of Exact Sciences
Classification: Likely benign for NFKB1-related condition. Last evaluated: 2024-01-08. Review status: no assertion criteria provided. Collection method: clinical testing. Allele origin: germline. Not counted in ClinVar's aggregate classification.
Comment: This variant is classified as likely benign based on ACMG/AMP sequence variant interpretation guidelines (Richards et al. 2015 PMID: 25741868, with internal and published modifications).